The following is an entry in ClinVar:

ClinVar aggregate classification (germline): Uncertain significance (1 of 4 stars; one submission).

Submission:

Labcorp Genetics (formerly Invitae), Labcorp
Classification: Uncertain significance. Last evaluated: 2024-06-04. Review status: criteria provided, single submitter. Criteria: Invitae Variant Classification Sherloc (09022015). Collection method: clinical testing. Allele origin: germline.
Comment: This sequence change falls in intron 20 of the HUWE1 gene. It does not directly change the encoded amino acid sequence of the HUWE1 protein. It affects a nucleotide within the consensus splice site. This variant is not present in population databases (gnomAD no frequency). This variant has not been reported in the literature in individuals affected with HUWE1-related conditions. Variants that disrupt the consensus splice site are a relatively common cause of aberrant splicing (PMID: 17576681, 9536098). Algorithms developed to predict the effect of sequence changes on RNA splicing suggest that this variant is not likely to affect RNA splicing. In summary, the available evidence is currently insufficient to determine the role of this variant in disease. Therefore, it has been classified as a Variant of Uncertain Significance.

Literature cited by the submitters: PubMed 17576681; PubMed 9536098.

NM_031407.7(HUWE1):c.1780-3T>G

Gene: HUWE1 (HECT, UBA and WWE domain containing E3 ubiquitin protein ligase 1; minus strand). Cytogenetic location: Xp11.22.
Variant type: single nucleotide variant.
Coding change: c.1780-3T>G on transcript NM_031407.7 (MANE Select); 3 bases into the intron before coding-DNA position 1780, T replaced by G.
Molecular consequence: intron variant.
Genome position (GRCh38, 1-based): chrX:53,617,150, A>C on the plus strand (T>G on the coding strand, the complement: HUWE1 is on the minus strand). VCF-style: chrX-53617150-A-C. GRCh37 (hg19) VCF-style: chrX-53644111-A-C.
Identifiers: ClinVar variation 3655468 (VCV003655468.2).